The following is an entry in ClinVar:

NM_032575.3(GLIS2):c.995G>A (p.Arg332His)

Gene: GLIS2 (GLIS family zinc finger 2; plus strand). Cytogenetic location: 16p13.3.
Variant type: single nucleotide variant.
Coding change: c.995G>A on transcript NM_032575.3 (MANE Select); coding-DNA position 995, G replaced by A.
Protein change: p.Arg332His; replaces arginine 332 with histidine.
Molecular consequence: missense variant.
Genome position (GRCh38, 1-based): chr16:4,336,944, G>A. VCF-style: chr16-4336944-G-A. GRCh37 (hg19) VCF-style: chr16-4386945-G-A.
Other names: c.995G>A, p.Arg332His (NM_001318918.2); short protein forms R332H.
Identifiers: ClinVar variation 860258 (VCV000860258.16), dbSNP rs148236093, ClinGen allele CA7873163.

ClinVar aggregate classification (germline): Uncertain significance. Review status: criteria provided, multiple submitters, no conflicts (2 of 4 stars). 5 submissions from 5 submitters: Uncertain significance (5). Last evaluated 2023-10-14.

Conditions:
Nephronophthisis. Also called: Juvenile Nephronophthisis. Identifiers: Orphanet 655, MedGen C0687120, MONDO:0019005, HP:0000090.
Nephronophthisis 7 (NPHP7). Identifiers: Orphanet 655, MedGen C1969092, MONDO:0012680, OMIM 611498.

Allele frequency attached by ClinVar (database versions not stated): ESP Exome Variant Server 0.00015; gnomAD 0.00006 and 0.00008; ExAC 0.00012; gnomAD exomes 0.00013 and 0.00010; TOPMed 0.00012.
gnomAD v4.1: 220 of 1,610,632 alleles (0.014%); highest among the groups gnomAD compares: Non-Finnish European, 0.016%; no homozygotes.

Submissions (5):

Ambry Genetics
Classification: Uncertain significance. Last evaluated: 2023-10-14. Review status: criteria provided, single submitter. Criteria: Ambry Variant Classification Scheme 2023. Collection method: clinical testing. Allele origin: germline.

Department of Pathology and Laboratory Medicine, Sinai Health System
Classification: Uncertain significance for Nephronophthisis 7. Last evaluated: 2023-04-22. Review status: criteria provided, single submitter. Criteria: ACMG Guidelines, 2015. Collection method: research. Allele origin: germline.

Fulgent Genetics
Classification: Uncertain significance for Nephronophthisis 7. Last evaluated: 2021-07-08. Review status: criteria provided, single submitter. Criteria: ACMG Guidelines, 2015. Collection method: clinical testing. Allele origin: unknown.

Labcorp Genetics (formerly Invitae), Labcorp
Classification: Uncertain significance for Nephronophthisis. Last evaluated: 2019-02-10. Review status: criteria provided, single submitter. Criteria: Invitae Variant Classification Sherloc (09022015). Collection method: clinical testing. Allele origin: germline.
Comment: In summary, the available evidence is currently insufficient to determine the role of this variant in disease. Therefore, it has been classified as a Variant of Uncertain Significance. Algorithms developed to predict the effect of missense changes on protein structure and function do not agree on the potential impact of this missense change (SIFT: "Deleterious"; PolyPhen-2: "Benign"; Align-GVGD: "Class C0"). This variant has not been reported in the literature in individuals with GLIS2-related disease. This variant is present in population databases (rs148236093, ExAC 0.02%). This sequence change replaces arginine with histidine at codon 332 of the GLIS2 protein (p.Arg332His). The arginine residue is moderately conserved and there is a small physicochemical difference between arginine and histidine.

Illumina Laboratory Services, Illumina
Classification: Uncertain significance for Nephronophthisis 7. Last evaluated: 2018-01-13. Review status: criteria provided, single submitter. Criteria: ICSL Variant Classification Criteria 13 December 2019. Collection method: clinical testing. Allele origin: germline.